The following is an entry in ClinVar:

ClinVar aggregate classification (germline): Uncertain significance. Review status: criteria provided, multiple submitters, no conflicts (2 of 4 stars). 4 submissions from 4 submitters: Uncertain significance (4). Last evaluated 2025-08-25.

Conditions:
Chuvash polycythemia. Also called: POLYCYTHEMIA, VHL-DEPENDENT. Identifiers: Orphanet 238557, MedGen C1837915, MONDO:0009892, OMIM 263400.
Von Hippel-Lindau syndrome (VHLS). Also called: VHL syndrome; Von Hippel-Lindau; von Hippel–Lindau syndrome. Identifiers: Orphanet 892, MedGen C0019562, MONDO:0008667, OMIM 193300. Disease mechanism: loss of function.
Hereditary cancer-predisposing syndrome. Also called: Neoplastic Syndromes, Hereditary; Hereditary Cancer Syndrome; Hereditary neoplastic syndrome; Tumor predisposition. Identifiers: Orphanet 140162, MedGen C0027672, MeSH D009386, MONDO:0015356.
Nonpapillary renal cell carcinoma. Identifiers: Orphanet 422526, MedGen CN074294, MONDO:0007763, OMIM 144700.
Pheochromocytoma. Also called: MAX-Related Hereditary Paraganglioma-Pheochromocytoma Syndrome. Identifiers: Orphanet 29072, MedGen C0031511, MONDO:0008233, OMIM 171300, HP:0002666.

Submissions (4):

Labcorp Genetics (formerly Invitae), Labcorp
Classification: Uncertain significance for Von Hippel-Lindau syndrome; Chuvash polycythemia. Last evaluated: 2025-08-25. Review status: criteria provided, single submitter. Criteria: Invitae Variant Classification Sherloc (09022015). Collection method: clinical testing. Allele origin: germline.
Comment: This sequence change replaces glutamine, which is neutral and polar, with arginine, which is basic and polar, at codon 209 of the VHL protein (p.Gln209Arg). This variant is not present in population databases (gnomAD no frequency). This variant has not been reported in the literature in individuals affected with VHL-related conditions. ClinVar contains an entry for this variant (Variation ID: 826280). Invitae Evidence Modeling of protein sequence and biophysical properties (such as structural, functional, and spatial information, amino acid conservation, physicochemical variation, residue mobility, and thermodynamic stability) has been performed for this missense variant. However, the output from this modeling did not meet the statistical confidence thresholds required to predict the impact of this variant on VHL protein function. In summary, the available evidence is currently insufficient to determine the role of this variant in disease. Therefore, it has been classified as a Variant of Uncertain Significance.

Color Diagnostics, LLC DBA Color Health
Classification: Uncertain significance for Von Hippel-Lindau syndrome. Last evaluated: 2025-07-31. Review status: criteria provided, single submitter. Criteria: ACMG Guidelines, 2015. Collection method: clinical testing. Allele origin: germline.
Comment: This missense variant replaces glutamine with arginine at codon 209 of the VHL protein. Computational prediction is inconclusive regarding the impact of this variant on protein structure and function. A functional study has reported that this variant does not impact VHL in a haploid cell fitness assay (PMID: 38969834). This variant has not been reported as a germline mutation in individuals affected with VHL-associated disorders in the literature, and it has only been reported as a somatic mutation in pancreatic cysts (PMID: 17537157). This variant has not been identified in the general population by the Genome Aggregation Database (gnomAD). The available evidence is insufficient to determine the role of this variant in disease conclusively. Therefore, this variant is classified as a Variant of Uncertain Significance.

Ambry Genetics
Classification: Uncertain significance for Hereditary cancer-predisposing syndrome. Last evaluated: 2024-07-04. Review status: criteria provided, single submitter. Criteria: Ambry Variant Classification Scheme 2023. Collection method: clinical testing. Allele origin: germline.
Comment: The p.Q209R variant (also known as c.626A>G), located in coding exon 3 of the VHL gene, results from an A to G substitution at nucleotide position 626. The glutamine at codon 209 is replaced by arginine, an amino acid with highly similar properties. This alteration was previously reported in an individual with a clinical diagnosis of VHL and a personal history of CNS hemangioblastoma and pancreatic cyst; however, a deletion involving the entire VHL gene was also detected in this individual (Huang JS et al. Eur. J. Clin. Invest., 2007 Jun;37:492-500). This amino acid position is highly conserved in available vertebrate species. In addition, the in silico prediction for this alteration is inconclusive. Based on the available evidence, the clinical significance of this variant remains unclear.

Fulgent Genetics
Classification: Uncertain significance for Nonpapillary renal cell carcinoma; Pheochromocytoma; Von Hippel-Lindau syndrome; Chuvash polycythemia. Last evaluated: 2024-03-28. Review status: criteria provided, single submitter. Criteria: ACMG Guidelines, 2015. Collection method: clinical testing. Allele origin: germline.

Literature cited by the submitters: PubMed 17537157 (cited by Color Diagnostics, LLC DBA Color Health and Ambry Genetics); PubMed 38969834 (cited by Color Diagnostics, LLC DBA Color Health).

NM_000551.4(VHL):c.626A>G (p.Gln209Arg)

Genes: VHL (von Hippel-Lindau tumor suppressor; plus strand), LOC107303340 (3p25 von Hippel-Lindau tumor suppressor, E3 ubiquitin protein ligase Alu-mediated recombination region; plus strand). Cytogenetic location: 3p25.3.
Variant type: single nucleotide variant.
Coding change: c.626A>G on transcript NM_000551.4 (MANE Select); coding-DNA position 626, A replaced by G.
Protein change: p.Gln209Arg; replaces glutamine 209 with arginine.
Molecular consequence: missense variant. On other transcripts: 3 prime UTR variant (1).
Genome position (GRCh38, 1-based): chr3:10,149,949, A>G. VCF-style: chr3-10149949-A-G. GRCh37 (hg19) VCF-style: chr3-10191633-A-G.
Other names: c.*180A>G (NM_001354723.2); c.503A>G, p.Gln168Arg (NM_198156.3); short protein forms Q168R, Q209R.
Identifiers: ClinVar variation 826280 (VCV000826280.12), dbSNP rs770746627, ClinGen allele CA351756691.